The following is an entry in ClinVar:

NM_017449.5(EPHB2):c.*120G>A

Gene: EPHB2 (EPH receptor B2; plus strand). Cytogenetic location: 1p36.12.
Variant type: single nucleotide variant.
Coding change: c.*120G>A on transcript NM_017449.5 (MANE Select); 120 bases downstream of the stop codon, G replaced by A.
Molecular consequence: 3 prime UTR variant. On other transcripts: synonymous variant (1).
Genome position (GRCh38, 1-based): chr1:22,913,690, G>A. VCF-style: chr1-22913690-G-A. GRCh37 (hg19) VCF-style: chr1-23240183-G-A.
Other names: c.*120G>A (NM_001309192.2, NM_004442.7); c.2988G>A, p.Thr996= (NM_001309193.2).
Identifiers: ClinVar variation 3058618 (VCV003058618.2), dbSNP rs764204919, ClinGen allele CA679176.

ClinVar aggregate classification (germline): Likely benign (0 of 4 stars; one submission).

Conditions:
EPHB2-related disorder. Also called: EPHB2-related condition.

Allele frequency attached by ClinVar (database versions not stated): ExAC 0.00003.
gnomAD v4.1: 15 of 1,603,606 alleles (0.00094%); highest among the groups gnomAD compares: Middle Eastern, 0.05%; no homozygotes.

Submission:

PreventionGenetics, part of Exact Sciences
Classification: Likely benign for EPHB2-related condition. Last evaluated: 2019-02-21. Review status: no assertion criteria provided. Collection method: clinical testing. Allele origin: germline.
Comment: This variant is classified as likely benign based on ACMG/AMP sequence variant interpretation guidelines (Richards et al. 2015 PMID: 25741868, with internal and published modifications).